The following is an entry in ClinVar:

ClinVar aggregate classification (germline): Benign. Review status: criteria provided, single submitter (1 of 4 stars). 2 submissions from 1 submitter: Benign (2). Last evaluated 2018-01-13.

Conditions:
Muscular dystrophy-dystroglycanopathy type B6 (MDDGB6). Also called: MUSCULAR DYSTROPHY, CONGENITAL, LARGE-RELATED; MUSCULAR DYSTROPHY, CONGENITAL, TYPE 1D; MUSCULAR DYSTROPHY-DYSTROGLYCANOPATHY (CONGENITAL WITH IMPAIRED INTELLECTUAL DEVELOPMENT), TYPE B, 6. Identifiers: MedGen C1837229, MONDO:0012138, OMIM 608840.
Muscular dystrophy-dystroglycanopathy (congenital with brain and eye anomalies), type A6. Also called: MUSCULAR DYSTROPHY-DYSTROGLYCANOPATHY (CONGENITAL WITH BRAIN AND EYE ANOMALIES), TYPE A, 6; WALKER-WARBURG SYNDROME OR MUSCLE-EYE-BRAIN DISEASE, LARGE-RELATED. Identifiers: Orphanet 588, Orphanet 899, MedGen C3150414, MONDO:0013158, OMIM 613154.

Allele frequency attached by ClinVar (database versions not stated): gnomAD exomes 0.00414; gnomAD 0.03206 and 0.03428; TOPMed 0.03583; 1000 Genomes Project 0.04113; 1000 Genomes Project 30x 0.04450.
gnomAD v4.1: 5,962 of 398,772 alleles (1.5%); highest among the groups gnomAD compares: African/African-American, 11%; 307 homozygotes.

Submissions (2):

Illumina Laboratory Services, Illumina
Classification: Benign for Muscular dystrophy-dystroglycanopathy (congenital with brain and eye anomalies), type A6. Last evaluated: 2018-01-13. Review status: criteria provided, single submitter. Criteria: ICSL Variant Classification Criteria 13 December 2019. Collection method: clinical testing. Allele origin: germline.
Comment: This variant was observed in the ICSL laboratory as part of a predisposition screen in an ostensibly healthy population. It had not been previously curated by ICSL or reported in the Human Gene Mutation Database (HGMD: prior to June 1st, 2018), and was therefore a candidate for classification through an automated scoring system. Utilizing variant allele frequency, disease prevalence and penetrance estimates, and inheritance mode, an automated score was calculated to assess if this variant is too frequent to cause the disease. Based on the score and internal cut-off values, a variant classified as benign is not then subjected to further curation. The score for this variant resulted in a classification of benign for this disease.

Illumina Laboratory Services, Illumina
Classification: Benign for Muscular dystrophy-dystroglycanopathy type B6. Last evaluated: 2018-01-13. Review status: criteria provided, single submitter. Criteria: ICSL Variant Classification Criteria 13 December 2019. Collection method: clinical testing. Allele origin: germline.
Comment: the same text as in the submission from Illumina Laboratory Services, Illumina above.

NM_133642.5(LARGE1):c.*856G>A

Gene: LARGE1 (LARGE xylosyl- and glucuronyltransferase 1; minus strand). Cytogenetic location: 22q12.3.
Variant type: single nucleotide variant.
Coding change: c.*856G>A on transcript NM_133642.5 (MANE Select); 856 bases downstream of the stop codon, G replaced by A.
Molecular consequence: 3 prime UTR variant.
Genome position (GRCh38, 1-based): chr22:33,273,571, C>T on the plus strand (G>A on the coding strand, the complement: LARGE1 is on the minus strand). VCF-style: chr22-33273571-C-T. GRCh37 (hg19) VCF-style: chr22-33669557-C-T.
Other names: c.*856G>A (NM_001378628.1, NM_001378629.1, NM_001378630.1 and 9 more transcripts).
Identifiers: ClinVar variation 341415 (VCV000341415.5), dbSNP rs77663505, ClinGen allele CA10645403.